The following is an entry in ClinVar:

ClinVar aggregate classification (germline): Likely pathogenic (1 of 4 stars; one submission).

Conditions:
Usher syndrome type 2A. Also called: RETINAL DISEASE IN USHER SYNDROME TYPE IIA, MODIFIER OF; USHER SYNDROME, TYPE IIA. Identifiers: Orphanet 231178, Orphanet 886, MedGen C1848634, MONDO:0010169, OMIM 276901.

Submission:

Myriad Genetics, Inc.
Classification: Likely pathogenic for Usher syndrome type 2A. Last evaluated: 2022-03-31. Review status: criteria provided, single submitter. Criteria: Myriad Women's Health Autosomal Recessive and X-Linked Classification Criteria (2021). Collection method: clinical testing. Allele origin: unknown.
Comment: NM_206933.2(USH2A):c.3332T>A(L1111*) is expected to be pathogenic in the context of USH2A-related disorders. This variant is predicted to lead to an abnormal or absent protein product due to the creation of a premature termination codon in USH2A, a gene where loss-of-function variants are known to be pathogenic. Please note: this variant was assessed in the context of healthy population screening.

NM_206933.4(USH2A):c.3332T>A (p.Leu1111Ter)

Genes: USH2A (usherin; minus strand), USH2A-AS1 (USH2A antisense RNA 1; plus strand). Cytogenetic location: 1q41.
Variant type: single nucleotide variant.
Coding change: c.3332T>A on transcript NM_206933.4 (MANE Select); coding-DNA position 3332, T replaced by A.
Protein change: p.Leu1111Ter; replaces leucine 1111 with a stop codon.
Molecular consequence: nonsense.
Genome position (GRCh38, 1-based): chr1:216,200,106, A>T on the plus strand (T>A on the coding strand, the complement: USH2A is on the minus strand). VCF-style: chr1-216200106-A-T. GRCh37 (hg19) VCF-style: chr1-216373448-A-T.
Other names: c.3332T>A, p.Leu1111Ter (NM_007123.6); short protein forms L1111*.
Identifiers: ClinVar variation 1725685 (VCV001725685.2), dbSNP rs2528047332, ClinGen allele CA344869106.